The following is an entry in ClinVar:

NM_182961.4(SYNE1):c.20142C>T (p.Ser6714=)

Gene: SYNE1 (spectrin repeat containing nuclear envelope protein 1; minus strand). Cytogenetic location: 6q25.2.
Variant type: single nucleotide variant.
Coding change: c.20142C>T on transcript NM_182961.4 (MANE Select); coding-DNA position 20142, C replaced by T.
Protein change: p.Ser6714=; no amino-acid change (serine 6714 retained).
Molecular consequence: synonymous variant.
Genome position (GRCh38, 1-based): chr6:152,236,874, G>A on the plus strand (C>T on the coding strand, the complement: SYNE1 is on the minus strand). VCF-style: chr6-152236874-G-A. GRCh37 (hg19) VCF-style: chr6-152558009-G-A.
Other names: c.19929C>T, p.Ser6643= (NM_033071.5).
Identifiers: ClinVar variation 286482 (VCV000286482.21), dbSNP rs201908045, ClinGen allele CA4054489.
Genomic context (GRCh38, chr6:152,236,874, plus strand): 5'-AACCTGGTAGAGTGTTATGCGGTCAATAAGCCTGTCCTCGTTCTCCTCCACCAGACCCAC[G>A]CTTGGGATGCTGCTTTCCACCACCTCCAGCTGTCTGCTGAGCTCCTGCTGGTCCTCATCC-3'
Protein context (NP_892006.3, residues 6704-6724): QLEVVESSIP[Ser6714=]VGLVEENEDR

ClinVar aggregate classification (germline): Conflicting classifications of pathogenicity. Review status: criteria provided, conflicting classifications (1 of 4 stars). 8 submissions from 7 submitters: Uncertain significance (1); Benign (3); Likely benign (3). 1 of the submissions does not count toward it. Last evaluated 2025-11-06.

Conditions:
SYNE1-related disorder. Also called: SYNE1-related disorders; SYNE1-related disease; SYNE1-related condition.
Autosomal recessive ataxia, Beauce type. Also called: Spinocerebellar ataxia, autosomal recessive 8; SYNE1-Related Autosomal Recessive Cerebellar Ataxia; SYNE1 Deficiency; ATAXIA, RECESSIVE, OF BEAUCE. Identifiers: Orphanet 88644, MedGen C1853116, MONDO:0012549, OMIM 610743.
Emery-Dreifuss muscular dystrophy 4, autosomal dominant (EDMD4). Also called: EMERY-DREIFUSS MUSCULAR DYSTROPHY 4 WITH VARIABLE FEATURES. Identifiers: Orphanet 261, MedGen C2751807, MONDO:0013071, OMIM 612998.

Allele frequency attached by ClinVar (database versions not stated): gnomAD 0.00012 and 0.00020; gnomAD exomes 0.00033; TOPMed 0.00033; ExAC 0.00042; 1000 Genomes Project 30x 0.00094; 1000 Genomes Project 0.00100.
gnomAD v4.1: 244 of 1,614,072 alleles (0.015%); highest among the groups gnomAD compares: East Asian, 0.45%; 1 homozygote.

Submissions (8):

Labcorp Genetics (formerly Invitae), Labcorp
Classification: Benign for Emery-Dreifuss muscular dystrophy 4, autosomal dominant; Autosomal recessive ataxia, Beauce type. Last evaluated: 2025-11-06. Review status: criteria provided, single submitter. Criteria: Invitae Variant Classification Sherloc (09022015). Collection method: clinical testing. Allele origin: germline.

Blueprint Genetics
Classification: Likely benign. Last evaluated: 2024-09-10. Review status: criteria provided, single submitter. Criteria: ACMG Guidelines, 2015. Collection method: clinical testing. Allele origin: germline.

Athena Diagnostics
Classification: Benign. Last evaluated: 2021-03-03. Review status: criteria provided, single submitter. Criteria: Athena Diagnostics criteria. Collection method: clinical testing. Allele origin: unknown.

Illumina Laboratory Services, Illumina
Classification: Benign for Emery-Dreifuss muscular dystrophy 4, autosomal dominant. Last evaluated: 2018-01-12. Review status: criteria provided, single submitter. Criteria: ICSL Variant Classification Criteria 13 December 2019. Collection method: clinical testing. Allele origin: germline.
Comment: This variant was observed in the ICSL laboratory as part of a predisposition screen in an ostensibly healthy population. It had not been previously curated by ICSL or reported in the Human Gene Mutation Database (HGMD: prior to June 1st, 2018), and was therefore a candidate for classification through an automated scoring system. Utilizing variant allele frequency, disease prevalence and penetrance estimates, and inheritance mode, an automated score was calculated to assess if this variant is too frequent to cause the disease. Based on the score and internal cut-off values, a variant classified as benign is not then subjected to further curation. The score for this variant resulted in a classification of benign for this disease.

Illumina Laboratory Services, Illumina
Classification: Likely benign for Autosomal recessive ataxia, Beauce type. Last evaluated: 2018-01-12. Review status: criteria provided, single submitter. Criteria: ICSL Variant Classification Criteria 13 December 2019. Collection method: clinical testing. Allele origin: germline.
Comment: This variant was observed in the ICSL laboratory as part of a predisposition screen in an ostensibly healthy population. It had not been previously curated by ICSL or reported in the Human Gene Mutation Database (HGMD: prior to June 1st, 2018), and was therefore a candidate for classification through an automated scoring system. Utilizing variant allele frequency, disease prevalence and penetrance estimates, and inheritance mode, an automated score was calculated to assess if this variant is too frequent to cause the disease. Based on the score and internal cut-off values, a variant classified as likely benign is not then subjected to further curation. The score for this variant resulted in a classification of likely benign for this disease.

GeneDx
Classification: Likely benign. Last evaluated: 2017-11-03. Review status: criteria provided, single submitter. Criteria: GeneDx Variant Classification (06012015). Collection method: clinical testing. Allele origin: germline. Affected: yes.
Comment: This variant is considered likely benign or benign based on one or more of the following criteria: it is a conservative change, it occurs at a poorly conserved position in the protein, it is predicted to be benign by multiple in silico algorithms, and/or has population frequency not consistent with disease.

Eurofins Ntd Llc (ga)
Classification: Uncertain significance. Last evaluated: 2016-12-13. Review status: criteria provided, single submitter. Criteria: EGL Classification Definitions 2015. Collection method: clinical testing. Allele origin: germline. Observed: 2 variant alleles, 2 heterozygotes.

PreventionGenetics, part of Exact Sciences
Classification: Likely benign for SYNE1-related condition. Last evaluated: 2019-07-12. Review status: no assertion criteria provided. Collection method: clinical testing. Allele origin: germline. Not counted in ClinVar's aggregate classification.
Comment: This variant is classified as likely benign based on ACMG/AMP sequence variant interpretation guidelines (Richards et al. 2015 PMID: 25741868, with internal and published modifications).